The following is an entry in ClinVar:

NM_007194.4(CHEK2):c.367T>C (p.Tyr123His)

Gene: CHEK2 (checkpoint kinase 2; minus strand). Cytogenetic location: 22q12.1.
Variant type: single nucleotide variant.
Coding change: c.367T>C on transcript NM_007194.4 (MANE Select); coding-DNA position 367, T replaced by C.
Protein change: p.Tyr123His; replaces tyrosine 123 with histidine.
Molecular consequence: missense variant.
Genome position (GRCh38, 1-based): chr22:28,725,320, A>G on the plus strand (T>C on the coding strand, the complement: CHEK2 is on the minus strand). VCF-style: chr22-28725320-A-G. GRCh37 (hg19) VCF-style: chr22-29121308-A-G.
Other names: c.496T>C, p.Tyr166His (NM_001005735.3); c.-411T>C (NM_001257387.3); c.367T>C, p.Tyr123His (NM_001349956.3, NM_145862.3); short protein forms Y166H, Y123H.
Identifiers: ClinVar variation 1733877 (VCV001733877.2), dbSNP rs2146070186, ClinGen allele CA411108127.

ClinVar aggregate classification (germline): Uncertain significance (1 of 4 stars; one submission).

Conditions:
Hereditary cancer-predisposing syndrome. Also called: Neoplastic Syndromes, Hereditary; Tumor predisposition; Hereditary Cancer Syndrome; Hereditary neoplastic syndrome. Identifiers: Orphanet 140162, MedGen C0027672, MeSH D009386, MONDO:0015356.

Submission:

Ambry Genetics
Classification: Uncertain significance for Hereditary cancer-predisposing syndrome. Last evaluated: 2022-09-12. Review status: criteria provided, single submitter. Criteria: Ambry Variant Classification Scheme 2023. Collection method: clinical testing. Allele origin: germline.
Comment: The p.Y123H variant (also known as c.367T>C), located in coding exon 2 of the CHEK2 gene, results from a T to C substitution at nucleotide position 367. The tyrosine at codon 123 is replaced by histidine, an amino acid with similar properties. This amino acid position is highly conserved in available vertebrate species. In addition, this alteration is predicted to be deleterious by in silico analysis. Since supporting evidence is limited at this time, the clinical significance of this alteration remains unclear.